The following is an entry in ClinVar:

ClinVar aggregate classification (germline): Uncertain significance (1 of 4 stars; one submission).

gnomAD v4.1: 1 of 1,614,020 alleles (0.000062%); highest among the groups gnomAD compares: Middle Eastern, 0.016%; no homozygotes.

Submission:

CeGaT Center for Human Genetics Tuebingen
Classification: Uncertain significance. Last evaluated: 2026-07-01. Review status: criteria provided, single submitter. Criteria: CeGaT Center For Human Genetics Tuebingen Variant Classification Criteria Version 2. Collection method: clinical testing. Allele origin: germline. Affected: yes. Observed: 1 variant allele.
Comment: ARG1: PM2

NM_000045.4(ARG1):c.49A>G (p.Lys17Glu)

Gene: ARG1 (arginase 1; plus strand). Cytogenetic location: 6q23.2.
Variant type: single nucleotide variant.
Coding change: c.49A>G on transcript NM_000045.4 (MANE Select); coding-DNA position 49, A replaced by G.
Protein change: p.Lys17Glu; replaces lysine 17 with glutamic acid.
Molecular consequence: missense variant. On other transcripts: non-coding transcript variant (1).
Genome position (GRCh38, 1-based): chr6:131,573,331, A>G. VCF-style: chr6-131573331-A-G. GRCh37 (hg19) VCF-style: chr6-131894471-A-G.
Other names: c.49A>G, p.Lys17Glu (NM_001244438.2, NM_001369020.1); short protein forms K17E.
Identifiers: ClinVar variation 5039623 (VCV005039623.1).
Genomic context (GRCh38, chr6:131,573,331, plus strand): 5'-AAGTGTCAGAGCATGAGCGCCAAGTCCAGAACCATAGGGATTATTGGAGCTCCTTTCTCA[A>G]AGGGACAGGTAAGGAAAAAAGTCTTTCTTTGAATTCCTGGAATTTAGTTGAAAATTTTGG-3'
Protein context (NP_000036.2, residues 7-27): TIGIIGAPFS[Lys17Glu]GQPRGGVEEG